The following is an entry in ClinVar:

NM_001844.5(COL2A1):c.1680+9C>A

Gene: COL2A1 (collagen type II alpha 1 chain; minus strand). Cytogenetic location: 12q13.11.
Variant type: single nucleotide variant.
Coding change: c.1680+9C>A on transcript NM_001844.5 (MANE Select); 9 bases into the intron after coding-DNA position 1680, C replaced by A.
Molecular consequence: intron variant.
Genome position (GRCh38, 1-based): chr12:47,985,719, G>T on the plus strand (C>A on the coding strand, the complement: COL2A1 is on the minus strand). VCF-style: chr12-47985719-G-T. GRCh37 (hg19) VCF-style: chr12-48379502-G-T.
Other names: c.1473+9C>A (NM_033150.3).
Identifiers: ClinVar variation 308923 (VCV000308923.8), dbSNP rs371857655, ClinGen allele CA6535425.

ClinVar aggregate classification (germline): Conflicting classifications of pathogenicity. Review status: criteria provided, conflicting classifications (1 of 4 stars). 4 submissions from 3 submitters: Uncertain significance (1); Likely benign (2). 1 of the submissions does not count toward it. Last evaluated 2024-11-06.

Conditions:
Stickler syndrome type 1 (STL1). Also called: COL2A1-Related Stickler Syndrome; ARTHROOPHTHALMOPATHY, HEREDITARY PROGRESSIVE; STICKLER SYNDROME, MEMBRANOUS VITREOUS TYPE; STICKLER SYNDROME, VITREOUS TYPE 1. Identifiers: Orphanet 828, Orphanet 90653, MedGen C2020284, MONDO:0007160, OMIM 108300.
COL2A1-related disorder. Also called: COL2A1-related condition; COL2A1-related disorders.
Type 2 collagenopathy. Identifiers: Orphanet 93421, MedGen C2931073, MONDO:0022800.

Allele frequency attached by ClinVar (database versions not stated): ExAC 0.00003; gnomAD exomes 0.00004; gnomAD 0.00005; TOPMed 0.00006; ESP Exome Variant Server 0.00008.
gnomAD v4.1: 74 of 1,613,674 alleles (0.0046%); highest among the groups gnomAD compares: Middle Eastern, 0.016%; no homozygotes.

Submissions (4):

Blueprint Genetics
Classification: Likely benign. Last evaluated: 2024-11-06. Review status: criteria provided, single submitter. Criteria: ACMG Guidelines, 2015. Collection method: clinical testing. Allele origin: germline.

Illumina Laboratory Services, Illumina
Classification: Uncertain significance for Stickler syndrome type 1. Last evaluated: 2018-01-12. Review status: criteria provided, single submitter. Criteria: ICSL Variant Classification Criteria 13 December 2019. Collection method: clinical testing. Allele origin: germline.

Illumina Laboratory Services, Illumina
Classification: Likely benign for Type II Collagenopathies. Last evaluated: 2018-01-12. Review status: criteria provided, single submitter. Criteria: ICSL Variant Classification Criteria 13 December 2019. Collection method: clinical testing. Allele origin: germline.
Comment: This variant was observed in the ICSL laboratory as part of a predisposition screen in an ostensibly healthy population. It had not been previously curated by ICSL or reported in the Human Gene Mutation Database (HGMD: prior to June 1st, 2018), and was therefore a candidate for classification through an automated scoring system. Utilizing variant allele frequency, disease prevalence and penetrance estimates, and inheritance mode, an automated score was calculated to assess if this variant is too frequent to cause the disease. Based on the score and internal cut-off values, a variant classified as likely benign is not then subjected to further curation. The score for this variant resulted in a classification of likely benign for this disease.

PreventionGenetics, part of Exact Sciences
Classification: Likely benign for COL2A1-related condition. Last evaluated: 2020-02-14. Review status: no assertion criteria provided. Collection method: clinical testing. Allele origin: germline. Not counted in ClinVar's aggregate classification.
Comment: This variant is classified as likely benign based on ACMG/AMP sequence variant interpretation guidelines (Richards et al. 2015 PMID: 25741868, with internal and published modifications).